The following is an entry in ClinVar:

ClinVar aggregate classification (germline): Uncertain significance. Review status: criteria provided, multiple submitters, no conflicts (2 of 4 stars). 3 submissions from 3 submitters: Uncertain significance (3). Last evaluated 2023-04-11.

Conditions:
Developmental and epileptic encephalopathy, 18 (DEE18). Also called: Early infantile epileptic encephalopathy 18. Identifiers: Orphanet 369894, MedGen C3809624, MONDO:0014201, OMIM 615476.

Allele frequency attached by ClinVar (database versions not stated): gnomAD exomes below 0.00001; TOPMed below 0.00001.

Submissions (3):

Genome-Nilou Lab
Classification: Uncertain significance for Developmental and epileptic encephalopathy, 18. Last evaluated: 2023-04-11. Review status: criteria provided, single submitter. Criteria: ACMG Guidelines, 2015. Collection method: clinical testing. Allele origin: germline. Affected: no.

GeneDx
Classification: Uncertain significance. Last evaluated: 2022-07-12. Review status: criteria provided, single submitter. Criteria: GeneDx Variant Classification Process June 2021. Collection method: clinical testing. Allele origin: germline. Affected: yes.
Comment: Not observed at significant frequency in large population cohorts (gnomAD); In silico analysis supports that this missense variant does not alter protein structure/function; Has not been previously published as pathogenic or benign to our knowledge

Labcorp Genetics (formerly Invitae), Labcorp
Classification: Uncertain significance. Last evaluated: 2021-12-03. Review status: criteria provided, single submitter. Criteria: Invitae Variant Classification Sherloc (09022015). Collection method: clinical testing. Allele origin: germline.
Comment: In summary, the available evidence is currently insufficient to determine the role of this variant in disease. Therefore, it has been classified as a Variant of Uncertain Significance. Algorithms developed to predict the effect of missense changes on protein structure and function output the following: SIFT: "Tolerated"; PolyPhen-2: "Benign"; Align-GVGD: "Class C0". The glycine amino acid residue is found in multiple mammalian species, which suggests that this missense change does not adversely affect protein function. This variant has not been reported in the literature in individuals affected with SZT2-related conditions. This variant is present in population databases (no rsID available, gnomAD 0.0009%). This sequence change replaces aspartic acid, which is acidic and polar, with glycine, which is neutral and non-polar, at codon 929 of the SZT2 protein (p.Asp929Gly).

NM_001365999.1(SZT2):c.2786A>G (p.Asp929Gly)

Gene: SZT2 (SZT2 subunit of KICSTOR complex; plus strand). Cytogenetic location: 1p34.2.
Variant type: single nucleotide variant.
Coding change: c.2786A>G on transcript NM_001365999.1 (MANE Select); coding-DNA position 2786, A replaced by G.
Protein change: p.Asp929Gly; replaces aspartic acid 929 with glycine.
Molecular consequence: missense variant.
Genome position (GRCh38, 1-based): chr1:43,425,614, A>G. VCF-style: chr1-43425614-A-G. GRCh37 (hg19) VCF-style: chr1-43891285-A-G.
Other names: c.2786A>G, p.Asp929Gly (NM_015284.4); short protein forms D929G.
Identifiers: ClinVar variation 1401938 (VCV001401938.7), dbSNP rs1206709674, ClinGen allele CA340014424.